The following is an entry in ClinVar:

ClinVar aggregate classification (germline): Uncertain significance. Review status: criteria provided, multiple submitters, no conflicts (2 of 4 stars). 2 submissions from 2 submitters: Uncertain significance (2). Last evaluated 2023-09-08.

Allele frequency attached by ClinVar (database versions not stated): ExAC 0.00002; gnomAD 0.00003; TOPMed 0.00003; gnomAD exomes 0.00004; ESP Exome Variant Server 0.00008.
gnomAD v4.1: 67 of 1,613,506 alleles (0.0042%); highest among the groups gnomAD compares: East Asian, 0.0067%; no homozygotes.

Submissions (2):

Labcorp Genetics (formerly Invitae), Labcorp
Classification: Uncertain significance. Last evaluated: 2023-09-08. Review status: criteria provided, single submitter. Criteria: Invitae Variant Classification Sherloc (09022015). Collection method: clinical testing. Allele origin: germline.
Comment: This sequence change replaces leucine, which is neutral and non-polar, with phenylalanine, which is neutral and non-polar, at codon 30 of the WBP2 protein (p.Leu30Phe). In summary, the available evidence is currently insufficient to determine the role of this variant in disease. Therefore, it has been classified as a Variant of Uncertain Significance. Advanced modeling of protein sequence and biophysical properties (such as structural, functional, and spatial information, amino acid conservation, physicochemical variation, residue mobility, and thermodynamic stability) has been performed at Invitae for this missense variant, however the output from this modeling did not meet the statistical confidence thresholds required to predict the impact of this variant on WBP2 protein function. ClinVar contains an entry for this variant (Variation ID: 2531614). This variant has not been reported in the literature in individuals affected with WBP2-related conditions. This variant is present in population databases (rs370266562, gnomAD 0.007%).

Ambry Genetics
Classification: Uncertain significance. Last evaluated: 2023-03-29. Review status: criteria provided, single submitter. Criteria: Ambry Variant Classification Scheme 2023. Collection method: clinical testing. Allele origin: germline.

NM_012478.4(WBP2):c.88C>T (p.Leu30Phe)

Gene: WBP2 (WW domain binding protein 2; minus strand). Cytogenetic location: 17q25.1.
Variant type: single nucleotide variant.
Coding change: c.88C>T on transcript NM_012478.4 (MANE Select); coding-DNA position 88, C replaced by T.
Protein change: p.Leu30Phe; replaces leucine 30 with phenylalanine.
Molecular consequence: missense variant.
Genome position (GRCh38, 1-based): chr17:75,851,648, G>A on the plus strand (C>T on the coding strand, the complement: WBP2 is on the minus strand). VCF-style: chr17-75851648-G-A. GRCh37 (hg19) VCF-style: chr17-73847729-G-A.
Other names: c.88C>T, p.Leu30Phe (NM_001330499.2, NM_001348170.1); short protein forms L30F.
Identifiers: ClinVar variation 2531614 (VCV002531614.5), dbSNP rs370266562, ClinGen allele CA8774037.
Genomic context (GRCh38, chr17:75,851,648, plus strand): 5'-CAGTGCCTTTCTTGGTCCCTTTGAAGGCTTCTGGCACGTTCTTCATGTCATTGAATGTGA[G>A]TTCCACGTGATCATAGGACATTAGGATGCTGTGATGAGAAAAGAGGAAAAGCCTCAATGA-3'
Protein context (NP_036610.2, residues 20-40): SILMSYDHVE[Leu30Phe]TFNDMKNVPE